The following is an entry in ClinVar:

ClinVar aggregate classification (germline): Uncertain significance (1 of 4 stars; one submission).

Conditions:
Monocytopenia with susceptibility to infections. Also called: MONOCYTOPENIA AND MYCOBACTERIAL INFECTION SYNDROME; Dendritic cell, monocyte, B lymphocyte, and natural killer lymphocyte deficiency; MONOCYTOPENIA WITH SUSCEPTIBILITY TO MYCOBACTERIAL, FUNGAL, AND PAPILLOMAVIRUS INFECTIONS AND MYELODYSPLASIA; COMBINED IMMUNODEFICIENCY WITH SUSCEPTIBILITY TO MYCOBACTERIAL, VIRAL, AND FUNGAL INFECTIONS; IMMUNODEFICIENCY 21; GATA2 DEFICIENCY. Identifiers: Orphanet 228423, MedGen C3280030, MONDO:0013607, OMIM 614172.
Deafness-lymphedema-leukemia syndrome. Also called: Lymphedema, primary, with myelodysplasia; Emberger syndrome. Identifiers: Orphanet 3226, MedGen C3279664, MONDO:0013540, OMIM 614038.

gnomAD v4.1: 1 of 1,614,026 alleles (0.000062%); highest among the groups gnomAD compares: East Asian, 0.0022%; no homozygotes.

Submission:

Labcorp Genetics (formerly Invitae), Labcorp
Classification: Uncertain significance for Monocytopenia with susceptibility to infections; Deafness-lymphedema-leukemia syndrome. Last evaluated: 2023-08-16. Review status: criteria provided, single submitter. Criteria: Invitae Variant Classification Sherloc (09022015). Collection method: clinical testing. Allele origin: germline.
Comment: In summary, the available evidence is currently insufficient to determine the role of this variant in disease. Therefore, it has been classified as a Variant of Uncertain Significance. Advanced modeling of protein sequence and biophysical properties (such as structural, functional, and spatial information, amino acid conservation, physicochemical variation, residue mobility, and thermodynamic stability) has been performed at Invitae for this missense variant, however the output from this modeling did not meet the statistical confidence thresholds required to predict the impact of this variant on GATA2 protein function. ClinVar contains an entry for this variant (Variation ID: 1426146). This variant has not been reported in the literature in individuals affected with GATA2-related conditions. The frequency data for this variant in the population databases is considered unreliable, as metrics indicate poor data quality at this position in the gnomAD database. This sequence change replaces threonine, which is neutral and polar, with methionine, which is neutral and non-polar, at codon 176 of the GATA2 protein (p.Thr176Met).

NM_032638.5(GATA2):c.527C>T (p.Thr176Met)

Gene: GATA2 (GATA binding protein 2; minus strand). Cytogenetic location: 3q21.3.
Variant type: single nucleotide variant.
Coding change: c.527C>T on transcript NM_032638.5 (MANE Select); coding-DNA position 527, C replaced by T.
Protein change: p.Thr176Met; replaces threonine 176 with methionine.
Molecular consequence: missense variant.
Genome position (GRCh38, 1-based): chr3:128,486,071, G>A on the plus strand (C>T on the coding strand, the complement: GATA2 is on the minus strand). VCF-style: chr3-128486071-G-A. GRCh37 (hg19) VCF-style: chr3-128204914-G-A.
Other names: c.527C>T, p.Thr176Met (NM_001145661.2, NM_001145662.1); short protein forms T176M.
Identifiers: ClinVar variation 1426146 (VCV001426146.6), dbSNP rs750157738, ClinGen allele CA354406581.